The following is an entry in ClinVar:

ClinVar aggregate classification (germline): Benign/Likely benign. Review status: criteria provided, multiple submitters, no conflicts (2 of 4 stars). 5 submissions from 5 submitters: Benign (3); Likely benign (1). 1 of the submissions does not count toward it. Last evaluated 2026-01-26.

Conditions:
TNNI3K-related disorder. Also called: TNNI3K-related condition.
Atrial conduction disease. Identifiers: Orphanet 436242, MedGen CN221670, MONDO:0014500.

Allele frequency attached by ClinVar (database versions not stated): gnomAD 0.00074 and 0.00122; TOPMed 0.00128; gnomAD exomes 0.00216; ExAC 0.00219; 1000 Genomes Project 30x 0.00703; 1000 Genomes Project 0.00759.
gnomAD v4.1: 2,155 of 1,613,296 alleles (0.13%); highest among the groups gnomAD compares: East Asian, 4.6%; 51 homozygotes.

Submissions (5):

Labcorp Genetics (formerly Invitae), Labcorp
Classification: Benign. Last evaluated: 2026-01-26. Review status: criteria provided, single submitter. Criteria: Invitae Variant Classification Sherloc (09022015). Collection method: clinical testing. Allele origin: germline.

Mayo Clinic Laboratories, Mayo Clinic
Classification: Benign. Last evaluated: 2025-07-15. Review status: criteria provided, single submitter. Criteria: ACMG Guidelines, 2015. Collection method: clinical testing. Allele origin: germline. Observed: 1 variant allele.
Comment: BS1, BS2

Molecular Diagnostic Laboratory for Inherited Cardiovascular Disease, Montreal Heart Institute
Classification: Likely benign. Last evaluated: 2025-04-09. Review status: criteria provided, single submitter. Criteria: ACMG Guidelines, 2015. Collection method: clinical testing. Allele origin: germline. Affected: no.
Comment: BS1;BP6

ARUP Laboratories, Molecular Genetics and Genomics, ARUP Laboratories
Classification: Benign for Cardiac conduction disease with or without dilated cardiomyopathy 1. Last evaluated: 2023-12-19. Review status: criteria provided, single submitter. Criteria: ARUP Molecular Germline Variant Investigation Process 2024. Collection method: clinical testing. Allele origin: germline.

PreventionGenetics, part of Exact Sciences
Classification: Benign for TNNI3K-related condition. Last evaluated: 2024-07-10. Review status: no assertion criteria provided. Collection method: clinical testing. Allele origin: germline. Not counted in ClinVar's aggregate classification.
Comment: This variant is classified as benign based on ACMG/AMP sequence variant interpretation guidelines (Richards et al. 2015 PMID: 25741868, with internal and published modifications).

NM_015978.3(TNNI3K):c.1910C>T (p.Thr637Met)

Genes: FPGT-TNNI3K (FPGT-TNNI3K readthrough; plus strand), TNNI3K (TNNI3 interacting kinase; plus strand). Cytogenetic location: 1p31.1.
Variant type: single nucleotide variant.
Coding change: c.1910C>T on transcript NM_015978.3 (MANE Select); coding-DNA position 1910, C replaced by T.
Protein change: p.Thr637Met; replaces threonine 637 with methionine.
Molecular consequence: missense variant.
Genome position (GRCh38, 1-based): chr1:74,439,521, C>T. VCF-style: chr1-74439521-C-T. GRCh37 (hg19) VCF-style: chr1-74905205-C-T.
Other names: p.Thr637Met; c.2213C>T, p.Thr738Met (NM_001112808.3, NM_001199327.2); short protein forms T637M, T738M.
Identifiers: ClinVar variation 725704 (VCV000725704.14), dbSNP rs2274260, ClinGen allele CA909512.
Genomic context (GRCh38, chr1:74,439,521, plus strand): 5'-ATGGCTTGTGGATGTTTCTTGATGTGCAGAACCTCCGTTGGATGGCTCCTGAGGTGTTCA[C>T]GCAGTGCACTCGGTACACCATCAAAGCAGATGTCTTCAGCTATGCTCTGTGTCTGTGGGA-3'
Protein context (NP_057062.1, residues 627-647): NLRWMAPEVF[Thr637Met]QCTRYTIKAD